The following is an entry in ClinVar:

NM_014550.4(CARD10):c.2229G>A (p.Gln743=)

Gene: CARD10 (caspase recruitment domain family member 10; minus strand). Cytogenetic location: 22q13.1.
Variant type: single nucleotide variant.
Coding change: c.2229G>A on transcript NM_014550.4 (MANE Select); coding-DNA position 2229, G replaced by A.
Protein change: p.Gln743=; no amino-acid change (glutamine 743 retained).
Molecular consequence: synonymous variant.
Genome position (GRCh38, 1-based): chr22:37,495,834, C>T on the plus strand (G>A on the coding strand, the complement: CARD10 is on the minus strand). VCF-style: chr22-37495834-C-T. GRCh37 (hg19) VCF-style: chr22-37891841-C-T.
Identifiers: ClinVar variation 3035173 (VCV003035173.2), dbSNP rs141880624, ClinGen allele CA10219553.
Genomic context (GRCh38, chr22:37,495,834, plus strand): 5'-CACGGTGCCCCGGTCCAGGTCCCGCAGAGTGAGGGGGTCAACCCGGGTGCAGAACCATTC[C>T]TGCCTCCGCTTGTATGCCGAGTCCACCAGTCGAAGGATCTCTTGGGCTTTCACGCAAAGG-3'
Protein context (NP_055365.2, residues 733-753): RLVDSAYKRR[Gln743=]EWFCTRVDPL

ClinVar aggregate classification (germline): Likely benign (0 of 4 stars; one submission).

Conditions:
CARD10-related disorder. Also called: CARD10-related condition.

Allele frequency attached by ClinVar (database versions not stated): ExAC 0.00005; TOPMed 0.00007; gnomAD 0.00008; gnomAD exomes 0.00013; ESP Exome Variant Server 0.00015.

Submission:

PreventionGenetics, part of Exact Sciences
Classification: Likely benign for CARD10-related condition. Last evaluated: 2019-08-09. Review status: no assertion criteria provided. Collection method: clinical testing. Allele origin: germline.
Comment: This variant is classified as likely benign based on ACMG/AMP sequence variant interpretation guidelines (Richards et al. 2015 PMID: 25741868, with internal and published modifications).